The following is an entry in ClinVar:

NM_182961.4(SYNE1):c.19635G>T (p.Arg6545Ser)

Gene: SYNE1 (spectrin repeat containing nuclear envelope protein 1; minus strand). Cytogenetic location: 6q25.2.
Variant type: single nucleotide variant.
Coding change: c.19635G>T on transcript NM_182961.4 (MANE Select); coding-DNA position 19635, G replaced by T.
Protein change: p.Arg6545Ser; replaces arginine 6545 with serine.
Molecular consequence: missense variant.
Genome position (GRCh38, 1-based): chr6:152,244,594, C>A on the plus strand (G>T on the coding strand, the complement: SYNE1 is on the minus strand). VCF-style: chr6-152244594-C-A. GRCh37 (hg19) VCF-style: chr6-152565729-C-A.
Other names: p.Arg6474Ser; c.19422G>T, p.Arg6474Ser (NM_033071.5); short protein forms R6474S, R6545S.
Identifiers: ClinVar variation 193777 (VCV000193777.64), dbSNP rs147143947, ClinGen allele CA239421.

ClinVar aggregate classification (germline): Conflicting classifications of pathogenicity. Review status: criteria provided, conflicting classifications (1 of 4 stars). 11 submissions from 10 submitters: Uncertain significance (5); Benign (1); Likely benign (5). Last evaluated 2025-11-11.

Conditions:
SYNE1-related disorder. Also called: SYNE1-related disease; SYNE1-related condition; SYNE1-related disorders.
Inborn genetic diseases. Identifiers: MedGen C0950123, MeSH D030342.
Autosomal recessive ataxia, Beauce type. Also called: ATAXIA, RECESSIVE, OF BEAUCE; Spinocerebellar ataxia, autosomal recessive 8; SYNE1 Deficiency; SYNE1-Related Autosomal Recessive Cerebellar Ataxia. Identifiers: Orphanet 88644, MedGen C1853116, MONDO:0012549, OMIM 610743.
Emery-Dreifuss muscular dystrophy 4, autosomal dominant (EDMD4). Also called: EMERY-DREIFUSS MUSCULAR DYSTROPHY 4 WITH VARIABLE FEATURES. Identifiers: Orphanet 261, MedGen C2751807, MONDO:0013071, OMIM 612998.

Allele frequency attached by ClinVar (database versions not stated): ESP Exome Variant Server 0.00023; ExAC 0.00030; gnomAD 0.00031 and 0.00032; TOPMed 0.00033; gnomAD exomes 0.00037.

Submissions (11):

PreventionGenetics, part of Exact Sciences
Classification: Likely benign for SYNE1-related condition. Last evaluated: 2025-11-11. Review status: criteria provided, single submitter. Criteria: ACMG Guidelines, 2015. Collection method: clinical testing. Allele origin: germline.
Comment: This variant is classified as likely benign based on ACMG/AMP sequence variant interpretation guidelines (Richards et al. 2015 PMID: 25741868, with internal and published modifications).

CeGaT Center for Human Genetics Tuebingen
Classification: Likely benign. Last evaluated: 2025-04-01. Review status: criteria provided, single submitter. Criteria: CeGaT Center For Human Genetics Tuebingen Variant Classification Criteria Version 2. Collection method: clinical testing. Allele origin: germline. Affected: yes. Observed: 10 variant alleles.
Comment: SYNE1: BP4, BS2

Athena Diagnostics
Classification: Likely benign. Last evaluated: 2024-12-09. Review status: criteria provided, single submitter. Criteria: Athena Diagnostics Criteria. Collection method: clinical testing. Allele origin: unknown.
Comment: The frequency of this variant in the general population is higher than would generally be expected for pathogenic variants in this gene. Computational tools predict this amino acid change may be benign.

Labcorp Genetics (formerly Invitae), Labcorp
Classification: Uncertain significance for Emery-Dreifuss muscular dystrophy 4, autosomal dominant; Autosomal recessive ataxia, Beauce type. Last evaluated: 2023-11-20. Review status: criteria provided, single submitter. Criteria: Invitae Variant Classification Sherloc (09022015). Collection method: clinical testing. Allele origin: germline.
Comment: This sequence change replaces arginine, which is basic and polar, with serine, which is neutral and polar, at codon 6474 of the SYNE1 protein (p.Arg6474Ser). This variant is present in population databases (rs147143947, gnomAD 0.2%). This variant has not been reported in the literature in individuals affected with SYNE1-related conditions. ClinVar contains an entry for this variant (Variation ID: 193777). An algorithm developed to predict the effect of missense changes on protein structure and function (PolyPhen-2) suggests that this variant¬†is likely to be tolerated. In summary, the available evidence is currently insufficient to determine the role of this variant in disease. Therefore, it has been classified as a Variant of Uncertain Significance.

Mayo Clinic Laboratories, Mayo Clinic
Classification: Uncertain significance. Last evaluated: 2021-12-28. Review status: criteria provided, single submitter. Criteria: ACMG Guidelines, 2015. Collection method: clinical testing. Allele origin: germline.

Ambry Genetics
Classification: Uncertain significance for Inborn genetic diseases. Last evaluated: 2021-08-16. Review status: criteria provided, single submitter. Criteria: Ambry Variant Classification Scheme 2023. Collection method: clinical testing. Allele origin: germline.

Illumina Laboratory Services, Illumina
Classification: Benign for Emery-Dreifuss muscular dystrophy 4, autosomal dominant. Last evaluated: 2018-01-13. Review status: criteria provided, single submitter. Criteria: ICSL Variant Classification Criteria 13 December 2019. Collection method: clinical testing. Allele origin: germline.
Comment: This variant was observed in the ICSL laboratory as part of a predisposition screen in an ostensibly healthy population. It had not been previously curated by ICSL or reported in the Human Gene Mutation Database (HGMD: prior to June 1st, 2018), and was therefore a candidate for classification through an automated scoring system. Utilizing variant allele frequency, disease prevalence and penetrance estimates, and inheritance mode, an automated score was calculated to assess if this variant is too frequent to cause the disease. Based on the score and internal cut-off values, a variant classified as benign is not then subjected to further curation. The score for this variant resulted in a classification of benign for this disease.

Illumina Laboratory Services, Illumina
Classification: Uncertain significance for Autosomal recessive ataxia, Beauce type. Last evaluated: 2018-01-13. Review status: criteria provided, single submitter. Criteria: ICSL Variant Classification Criteria 13 December 2019. Collection method: clinical testing. Allele origin: germline.

GeneDx
Classification: Likely benign. Last evaluated: 2017-12-18. Review status: criteria provided, single submitter. Criteria: GeneDx Variant Classification (06012015). Collection method: clinical testing. Allele origin: germline. Affected: yes.
Comment: This variant is considered likely benign or benign based on one or more of the following criteria: it is a conservative change, it occurs at a poorly conserved position in the protein, it is predicted to be benign by multiple in silico algorithms, and/or has population frequency not consistent with disease.

Eurofins Ntd Llc (ga)
Classification: Uncertain significance. Last evaluated: 2017-02-28. Review status: criteria provided, single submitter. Criteria: EGL Classification Definitions 2015. Collection method: clinical testing. Allele origin: germline. Observed: 9 variant alleles, 9 heterozygotes.

Genomic Diagnostic Laboratory, Division of Genomic Diagnostics, Children's Hospital of Philadelphia
Classification: Likely benign. Last evaluated: 2015-02-19. Review status: criteria provided, single submitter. Criteria: DGD Variant Analysis Guidelines. Collection method: clinical testing. Allele origin: unknown.

Literature cited by the submitters: PubMed 34162180 (cited by Athena Diagnostics).